The following is an entry in ClinVar:

ClinVar aggregate classification (germline): Conflicting classifications of pathogenicity. Review status: criteria provided, conflicting classifications (1 of 4 stars). 6 submissions from 6 submitters: Uncertain significance (2); Likely benign (4). Last evaluated 2026-02-01.

Conditions:
Neonatal diabetes mellitus with congenital hypothyroidism. Also called: NDH SYNDROME. Identifiers: Orphanet 79118, MedGen C1857775, MONDO:0012436, OMIM 610199.

Allele frequency attached by ClinVar (database versions not stated): 1000 Genomes Project 30x 0.00062; gnomAD exomes 0.00062; gnomAD 0.00065 and 0.00068; ESP Exome Variant Server 0.00023; ExAC 0.00051; 1000 Genomes Project 0.00060; TOPMed 0.00104.
gnomAD v4.1: 808 of 1,612,514 alleles (0.05%); highest among the groups gnomAD compares: Middle Eastern, 0.89%; 3 homozygotes.

Submissions (6):

Labcorp Genetics (formerly Invitae), Labcorp
Classification: Likely benign. Last evaluated: 2026-02-01. Review status: criteria provided, single submitter. Criteria: Invitae Variant Classification Sherloc (09022015). Collection method: clinical testing. Allele origin: germline.

CeGaT Center for Human Genetics Tuebingen
Classification: Likely benign. Last evaluated: 2025-01-01. Review status: criteria provided, single submitter. Criteria: CeGaT Center For Human Genetics Tuebingen Variant Classification Criteria Version 2. Collection method: clinical testing. Allele origin: germline. Affected: yes. Observed: 2 variant alleles.
Comment: GLIS3: BP4, BP7

Blueprint Genetics
Classification: Likely benign. Last evaluated: 2024-10-23. Review status: criteria provided, single submitter. Criteria: ACMG Guidelines, 2015. Collection method: clinical testing. Allele origin: germline.

New York Genome Center
Classification: Uncertain significance for Neonatal diabetes mellitus with congenital hypothyroidism. Last evaluated: 2021-07-30. Review status: criteria provided, single submitter. Criteria: NYGC Assertion Criteria 2020. Collection method: clinical testing. Allele origin: germline. Observed: 1 heterozygote.

Genetic Services Laboratory, University of Chicago
Classification: Likely benign. Last evaluated: 2020-10-23. Review status: criteria provided, single submitter. Criteria: ACMG Guidelines, 2015. Collection method: clinical testing. Allele origin: germline. Affected: no.

Illumina Laboratory Services, Illumina
Classification: Uncertain significance for Neonatal diabetes mellitus with congenital hypothyroidism. Last evaluated: 2018-01-12. Review status: criteria provided, single submitter. Criteria: ICSL Variant Classification Criteria 13 December 2019. Collection method: clinical testing. Allele origin: germline.

NM_001042413.2(GLIS3):c.1872C>T (p.Thr624=)

Gene: GLIS3 (GLIS family zinc finger 3; minus strand). Cytogenetic location: 9p24.2.
Variant type: single nucleotide variant.
Coding change: c.1872C>T on transcript NM_001042413.2 (MANE Select); coding-DNA position 1872, C replaced by T.
Protein change: p.Thr624=; no amino-acid change (threonine 624 retained).
Molecular consequence: synonymous variant.
Genome position (GRCh38, 1-based): chr9:3,937,028, G>A on the plus strand (C>T on the coding strand, the complement: GLIS3 is on the minus strand). VCF-style: chr9-3937028-G-A. GRCh37 (hg19) VCF-style: chr9-3937028-G-A.
Other names: c.1407C>T, p.Thr469= (NM_152629.4).
Identifiers: ClinVar variation 912866 (VCV000912866.34), dbSNP rs140309338, ClinGen allele CA4968058.